The following is an entry in ClinVar:

ClinVar aggregate classification (germline): Likely benign. Review status: criteria provided, multiple submitters, no conflicts (2 of 4 stars). 2 submissions from 2 submitters: Likely benign (2). Last evaluated 2018-06-14.

Allele frequency attached by ClinVar (database versions not stated): 1000 Genomes Project 0.00359; 1000 Genomes Project 30x 0.00359; TOPMed 0.01013; gnomAD 0.01061 and 0.01100; gnomAD exomes 0.01360.
gnomAD v4.1: 9,905 of 767,332 alleles (1.3%); highest among the groups gnomAD compares: Non-Finnish European, 1.8%; 82 homozygotes.

Submissions (2):

GeneDx
Classification: Likely benign. Last evaluated: 2018-06-14. Review status: criteria provided, single submitter. Criteria: GeneDx Variant Classification (06012015). Collection method: clinical testing. Allele origin: germline. Affected: yes.
Comment: This variant is considered likely benign or benign based on one or more of the following criteria: it is a conservative change, it occurs at a poorly conserved position in the protein, it is predicted to be benign by multiple in silico algorithms, and/or has population frequency not consistent with disease.

Breakthrough Genomics
Classification: Likely benign. Review status: criteria provided, single submitter. Criteria: ACMG Guidelines, 2015. Collection method: not provided. Allele origin: germline. Inheritance: Autosomal recessive inheritance. Affected: yes.

NM_005198.5(CHKB):c.334-188C>G

Genes: CHKB (choline kinase beta; minus strand), CHKB-CPT1B (CHKB-CPT1B readthrough (NMD candidate); minus strand). Cytogenetic location: 22q13.33.
Variant type: single nucleotide variant.
Coding change: c.334-188C>G on transcript NM_005198.5 (MANE Select); 188 bases into the intron before coding-DNA position 334, C replaced by G.
Molecular consequence: intron variant.
Genome position (GRCh38, 1-based): chr22:50,582,050, G>C on the plus strand (C>G on the coding strand, the complement: CHKB is on the minus strand). VCF-style: chr22-50582050-G-C. GRCh37 (hg19) VCF-style: chr22-51020479-G-C.
Identifiers: ClinVar variation 677457 (VCV000677457.2), dbSNP rs143525998, ClinGen allele CA325538498.